The following is an entry in ClinVar:

ClinVar aggregate classification (germline): Uncertain significance (1 of 4 stars; one submission).

gnomAD v4.1: 3 of 1,612,912 alleles (0.00019%); highest among the groups gnomAD compares: African/African-American, 0.0013%; no homozygotes.

Submission:

GeneDx
Classification: Uncertain significance. Last evaluated: 2026-04-13. Review status: criteria provided, single submitter. Criteria: GeneDx Variant Classification Process June 2021. Collection method: clinical testing. Allele origin: germline.
Comment: Not observed at significant frequency in large population cohorts (gnomAD); In silico analysis supports that this missense variant has a deleterious effect on protein structure/function; Has not been previously published as pathogenic or benign to our knowledge

NM_020771.4(HACE1):c.1737G>T (p.Lys579Asn)

Gene: HACE1 (HECT domain and ankyrin repeat containing E3 ubiquitin protein ligase 1; minus strand). Cytogenetic location: 6q16.3.
Variant type: single nucleotide variant.
Coding change: c.1737G>T on transcript NM_020771.4 (MANE Select); coding-DNA position 1737, G replaced by T.
Protein change: p.Lys579Asn; replaces lysine 579 with asparagine.
Molecular consequence: missense variant. On other transcripts: non-coding transcript variant (7).
Genome position (GRCh38, 1-based): chr6:104,777,052, C>A on the plus strand (G>T on the coding strand, the complement: HACE1 is on the minus strand). VCF-style: chr6-104777052-C-A. GRCh37 (hg19) VCF-style: chr6-105224927-C-A.
Other names: c.1605G>T, p.Lys535Asn (NM_001321080.2); c.1635G>T, p.Lys545Asn (NM_001321083.2); c.1233G>T, p.Lys411Asn (NM_001321084.2, NM_001350557.2, NM_001350558.2); c.1503G>T, p.Lys501Asn (NM_001350554.2); c.1446G>T, p.Lys482Asn (NM_001350555.2); c.1251G>T, p.Lys417Asn (NM_001350556.2); c.1155G>T, p.Lys385Asn (NM_001350559.2); c.954G>T, p.Lys318Asn (NM_001350560.2); short protein forms K318N, K385N, K411N, K417N, K482N, K501N, K535N, K545N.
Identifiers: ClinVar variation 5036979 (VCV005036979.1).